The following is an entry in ClinVar:

NM_022124.6(CDH23):c.8256C>T (p.Gly2752=)

Gene: CDH23 (cadherin related 23; plus strand). Cytogenetic location: 10q22.1.
Variant type: single nucleotide variant.
Coding change: c.8256C>T on transcript NM_022124.6 (MANE Select); coding-DNA position 8256, C replaced by T.
Protein change: p.Gly2752=; no amino-acid change (glycine 2752 retained).
Molecular consequence: synonymous variant.
Genome position (GRCh38, 1-based): chr10:71,807,354, C>T. VCF-style: chr10-71807354-C-T. GRCh37 (hg19) VCF-style: chr10-73567111-C-T.
Other names: c.1536C>T, p.Gly512= (NM_001171933.1, NM_001171934.1).
Identifiers: ClinVar variation 666660 (VCV000666660.19), dbSNP rs372846962, ClinGen allele CA5546591.

ClinVar aggregate classification (germline): Benign/Likely benign. Review status: criteria provided, multiple submitters, no conflicts (2 of 4 stars). 5 submissions from 5 submitters: Benign (1); Likely benign (3). 1 of the submissions does not count toward it. Last evaluated 2026-01-24.

Conditions:
Usher syndrome type 1 (USH1). Also called: RETINITIS PIGMENTOSA AND CONGENITAL DEAFNESS. Identifiers: Orphanet 231169, Orphanet 886, MedGen C1568247, MONDO:0010168, OMIM 276900.

Allele frequency attached by ClinVar (database versions not stated): ESP Exome Variant Server 0.00008; TOPMed 0.00024; 1000 Genomes Project 30x 0.00031; gnomAD exomes 0.00058 and 0.00126; gnomAD 0.00100 and 0.00108; ExAC 0.00138.
gnomAD v4.1: 993 of 1,613,832 alleles (0.062%); highest among the groups gnomAD compares: African/African-American, 0.045%; 10 homozygotes.

Submissions (8):

Labcorp Genetics (formerly Invitae), Labcorp
Classification: Benign. Last evaluated: 2026-01-24. Review status: criteria provided, single submitter. Criteria: Invitae Variant Classification Sherloc (09022015). Collection method: clinical testing. Allele origin: germline.

Blueprint Genetics
Classification: Likely benign. Last evaluated: 2024-10-28. Review status: criteria provided, single submitter. Criteria: ACMG Guidelines, 2015. Collection method: clinical testing. Allele origin: germline.

GeneDx
Classification: Likely benign. Last evaluated: 2021-04-07. Review status: criteria provided, single submitter. Criteria: GeneDx Variant Classification Process June 2021. Collection method: clinical testing. Allele origin: germline. Affected: yes.

Laboratory for Molecular Medicine, Mass General Brigham Personalized Medicine
Classification: Likely benign. Last evaluated: 2012-04-30. Review status: criteria provided, single submitter. Criteria: LMM Criteria. Collection method: clinical testing. Allele origin: germline. Observed: 1 variant allele.
Comment: Gly2752Gly in Exon 58 of CDH23: This variant is not expected to have clinical si gnificance because it does not alter an amino acid residue, is not located withi n the splice consensus sequence, and has been identified in 1/3536 African Ameri can chromosomes from a broad population by the NHLBI Exome Sequencing Project.

Natera, Inc.
Classification: Uncertain significance for Usher syndrome type 1. Last evaluated: 2020-04-17. Review status: no assertion criteria provided. Collection method: clinical testing. Allele origin: germline. Not counted in ClinVar's aggregate classification.

Dr. Peter K. Rogan Lab, Western University
No classification provided (evidence only). Condition: Lung cancer. Review status: no classification provided. Collection method: in vitro. Allele origin: not applicable. Functional consequence: retained intron. Not counted in ClinVar's aggregate classification.

Dr. Peter K. Rogan Lab, Western University
No classification provided (evidence only). Condition: Gastric cancer. Review status: no classification provided. Collection method: in vitro. Allele origin: not applicable. Functional consequence: retained intron. Not counted in ClinVar's aggregate classification.

Dr. Peter K. Rogan Lab, Western University
No classification provided (evidence only). Condition: Gastric cancer. Review status: no classification provided. Collection method: in vitro. Allele origin: not applicable. Functional consequence: retained intron. Not counted in ClinVar's aggregate classification.